The following is an entry in ClinVar:

NM_012418.4(FSCN2):c.373G>A (p.Val125Ile)

Gene: FSCN2 (fascin actin-bundling protein 2, retinal; plus strand). Cytogenetic location: 17q25.3.
Variant type: single nucleotide variant.
Coding change: c.373G>A on transcript NM_012418.4 (MANE Select); coding-DNA position 373, G replaced by A.
Protein change: p.Val125Ile; replaces valine 125 with isoleucine.
Molecular consequence: missense variant.
Genome position (GRCh38, 1-based): chr17:81,528,904, G>A. VCF-style: chr17-81528904-G-A. GRCh37 (hg19) VCF-style: chr17-79495930-G-A.
Other names: c.373G>A, p.Val125Ile (NM_001077182.3); short protein forms V125I.
Identifiers: ClinVar variation 840477 (VCV000840477.7), dbSNP rs781818208, ClinGen allele CA8836660.
Genomic context (GRCh38, chr17:81,528,904, plus strand): 5'-GAGCCGCACGGCCGCTTCTTCGGAGGCACCGAGGACCAGCTGTCCTGCTTCGCCACAGCC[G>A]TTTCCCCGGCCGAGCTGTGGACCGTGCACCTGGCCATCCACCCGCAGGCCCACCTGCTGA-3'
Protein context (NP_036550.1, residues 115-135): EDQLSCFATA[Val125Ile]SPAELWTVHL

ClinVar aggregate classification (germline): Uncertain significance (1 of 4 stars; one submission).

Allele frequency attached by ClinVar (database versions not stated): ExAC 0.00012; TOPMed 0.00002; gnomAD 0.00003; gnomAD exomes 0.00003 and 0.00004.
gnomAD v4.1: 41 of 1,586,152 alleles (0.0026%); highest among the groups gnomAD compares: South Asian, 0.01%; no homozygotes.

Submission:

Labcorp Genetics (formerly Invitae), Labcorp
Classification: Uncertain significance. Last evaluated: 2025-10-03. Review status: criteria provided, single submitter. Criteria: Invitae Variant Classification Sherloc (09022015). Collection method: clinical testing. Allele origin: germline.
Comment: This sequence change replaces valine, which is neutral and non-polar, with isoleucine, which is neutral and non-polar, at codon 125 of the FSCN2 protein (p.Val125Ile). The frequency data for this variant in the population databases is considered unreliable, as metrics indicate poor data quality at this position in the gnomAD database. This variant has not been reported in the literature in individuals affected with FSCN2-related conditions. ClinVar contains an entry for this variant (Variation ID: 840477). An algorithm developed to predict the effect of missense changes on protein structure and function outputs the following: PolyPhen-2: "Benign". The isoleucine amino acid residue is found in multiple mammalian species, which suggests that this missense change does not adversely affect protein function. In summary, the available evidence is currently insufficient to determine the role of this variant in disease. Therefore, it has been classified as a Variant of Uncertain Significance.